The following is an entry in ClinVar:

NM_001290043.2(TAP2):c.1932+9C>T

Gene: TAP2 (transporter 2, ATP binding cassette subfamily B member; minus strand). Cytogenetic location: 6p21.32.
Variant type: single nucleotide variant.
Coding change: c.1932+9C>T on transcript NM_001290043.2 (MANE Select); 9 bases into the intron after coding-DNA position 1932, C replaced by T.
Molecular consequence: intron variant.
Genome position (GRCh38, 1-based): chr6:32,829,391, G>A on the plus strand (C>T on the coding strand, the complement: TAP2 is on the minus strand). VCF-style: chr6-32829391-G-A. GRCh37 (hg19) VCF-style: chr6-32797168-G-A.
Other names: c.1932+9C>T (NM_000544.3, NM_018833.3).
Identifiers: ClinVar variation 403512 (VCV000403512.15), dbSNP rs241442, ClinGen allele CA3745758.

ClinVar aggregate classification (germline): Benign/Likely benign. Review status: criteria provided, multiple submitters, no conflicts (2 of 4 stars). 4 submissions from 4 submitters: Benign (3); Likely benign (1). Last evaluated 2026-02-04.

Conditions:
MHC class I deficiency. Identifiers: Orphanet 34592, MedGen C6024714, MONDO:0011476.

Allele frequency attached by ClinVar (database versions not stated): ESP Exome Variant Server 0.23350; TOPMed 0.25278; gnomAD 0.25438 and 0.25999; 1000 Genomes Project 30x 0.28810; gnomAD exomes 0.28885; 1000 Genomes Project 0.29153; ExAC 0.33772.
gnomAD v4.1: 423,427 of 1,586,668 alleles (27%); highest among the groups gnomAD compares: South Asian, 39%; 58,881 homozygotes.

Submissions (4):

Labcorp Genetics (formerly Invitae), Labcorp
Classification: Benign for MHC class I deficiency 1. Last evaluated: 2026-02-04. Review status: criteria provided, single submitter. Criteria: Invitae Variant Classification Sherloc (09022015). Collection method: clinical testing. Allele origin: germline.

Women's Health and Genetics/Laboratory Corporation of America, LabCorp
Classification: Benign. Last evaluated: 2026-01-21. Review status: criteria provided, single submitter. Criteria: LabCorp Variant Classification Summary - May 2015. Collection method: clinical testing. Allele origin: germline.

Blueprint Genetics
Classification: Likely benign. Last evaluated: 2024-11-27. Review status: criteria provided, single submitter. Criteria: ACMG Guidelines, 2015. Collection method: clinical testing. Allele origin: germline.

Laboratory for Molecular Medicine, Mass General Brigham Personalized Medicine
Classification: Benign. Last evaluated: 2016-03-28. Review status: criteria provided, single submitter. Criteria: LMM Criteria. Collection method: clinical testing. Allele origin: germline.
Comment: Variant identified in a genome or exome case(s) and assessed due to predicted null impact of the variant or pathogenic assertions in the literature or databases. Disclaimer: This variant has not undergone full assessment. The following are preliminary notes: Frequency